The following is an entry in ClinVar:

ClinVar aggregate classification (germline): Uncertain significance (1 of 4 stars; one submission).

Conditions:
Developmental and epileptic encephalopathy. Identifiers: MedGen C5779964, MONDO:0100620.

Submission:

Labcorp Genetics (formerly Invitae), Labcorp
Classification: Uncertain significance for Early-infantile DEE. Last evaluated: 2023-01-10. Review status: criteria provided, single submitter. Criteria: Invitae Variant Classification Sherloc (09022015). Collection method: clinical testing. Allele origin: unknown.
Comment: In summary, the available evidence is currently insufficient to determine the role of this variant in disease. Therefore, it has been classified as a Variant of Uncertain Significance. This variant has not been reported in the literature in individuals affected with SPTAN1-related conditions. This variant results in a copy number gain of the genomic region encompassing exon(s) 18-57 of the SPTAN1 gene. This region includes the termination codon of the gene. This copy number gain extends beyond the assayed region for this gene and therefore may encompass additional genes. As the precise location of this event is unknown, it may be in tandem or it may be located elsewhere in the genome.

NC_000009.11:g.(?_131346980)_(135942612_?)dup

Genes: AK8 (adenylate kinase 8; minus strand), ABL1 (ABL proto-oncogene 1, non-receptor tyrosine kinase; plus strand), AIF1L (allograft inflammatory factor 1 like; plus strand), ASB6 (ankyrin repeat and SOCS box containing 6; minus strand), ASS1 (argininosuccinate synthase 1; plus strand) and 59 more. Cytogenetic location: 9q34.11-34.2.
Variant type: Duplication.
Identifiers: ClinVar variation 3245116 (VCV003245116.1).